The following is an entry in ClinVar:

NM_004281.4(BAG3):c.1613del (p.Asn538fs)

Gene: BAG3 (BAG cochaperone 3; plus strand). Cytogenetic location: 10q26.11.
Variant type: Deletion.
Coding change: c.1613del on transcript NM_004281.4 (MANE Select); coding-DNA position 1613, one base deleted (A; older notation c.1613delA).
Protein change: p.Asn538fs; shifts the reading frame from asparagine 538.
Molecular consequence: frameshift variant.
Genome position (GRCh38, 1-based): chr10:119,677,167, A deleted; the last of 5 consecutive A bases (chr10:119,677,163-119,677,167); deleting any one gives the same sequence. VCF-style (leftmost placement, unchanged base first): chr10-119677162-GA-G. GRCh37 (hg19) VCF-style: chr10-121436674-GA-G.
Other names: short protein forms N538fs.
Identifiers: ClinVar variation 4784726 (VCV004784726.1).

ClinVar aggregate classification (germline): Uncertain significance (1 of 4 stars; one submission).

Conditions:
Dilated cardiomyopathy 1HH (CMD1HH). Identifiers: Orphanet 154, MedGen C3151293, MONDO:0013479, OMIM 613881.
Myofibrillar myopathy 6. Identifiers: Orphanet 199340, MedGen C2751831, MONDO:0013061, OMIM 612954.

Submission:

Labcorp Genetics (formerly Invitae), Labcorp
Classification: Uncertain significance for Dilated cardiomyopathy 1HH; Myofibrillar myopathy 6. Last evaluated: 2025-04-22. Review status: criteria provided, single submitter. Criteria: Invitae Variant Classification Sherloc (09022015). Collection method: clinical testing. Allele origin: germline.
Comment: This sequence change creates a premature translational stop signal (p.Asn538Metfs*28) in the BAG3 gene. While this is not anticipated to result in nonsense mediated decay, it is expected to disrupt the last 38 amino acid(s) of the BAG3 protein. This variant is not present in population databases (gnomAD no frequency). This variant has not been reported in the literature in individuals affected with BAG3-related conditions. This variant disrupts a region of the BAG3 protein in which other variant(s) (p.Ala542Val) have been observed in individuals with BAG3-related conditions (internal data). This suggests that this is a clinically significant region of the protein, and that variants that disrupt it are likely to be disease-causing. In summary, the available evidence is currently insufficient to determine the role of this variant in disease. Therefore, it has been classified as a Variant of Uncertain Significance.